The following is an entry in ClinVar:

ClinVar aggregate classification (germline): Uncertain significance (1 of 4 stars; one submission).

gnomAD v4.1: 1 of 1,578,884 alleles (0.000063%); highest among the groups gnomAD compares: Non-Finnish European, 0.000085%; no homozygotes.

Submission:

Ambry Genetics
Classification: Uncertain significance. Last evaluated: 2023-01-07. Review status: criteria provided, single submitter. Criteria: Ambry Variant Classification Scheme 2023. Collection method: clinical testing. Allele origin: germline.
Comment: The p.A992V variant (also known as c.2975C>T), located in coding exon 16 of the POLQ gene, results from a C to T substitution at nucleotide position 2975. The alanine at codon 992 is replaced by valine, an amino acid with similar properties. This amino acid position is conserved. In addition, this alteration is predicted to be tolerated by in silico analysis. Since supporting evidence is limited at this time, the clinical significance of this alteration remains unclear.

NM_199420.4(POLQ):c.2975C>T (p.Ala992Val)

Gene: POLQ (DNA polymerase theta; minus strand). Cytogenetic location: 3q13.33.
Variant type: single nucleotide variant.
Coding change: c.2975C>T on transcript NM_199420.4 (MANE Select); coding-DNA position 2975, C replaced by T.
Protein change: p.Ala992Val; replaces alanine 992 with valine.
Molecular consequence: missense variant.
Genome position (GRCh38, 1-based): chr3:121,489,956, G>A on the plus strand (C>T on the coding strand, the complement: POLQ is on the minus strand). VCF-style: chr3-121489956-G-A. GRCh37 (hg19) VCF-style: chr3-121208803-G-A.
Other names: short protein forms A992V.
Identifiers: ClinVar variation 2449095 (VCV002449095.2), dbSNP rs2546787952, ClinGen allele CA354103673.